The following is an entry in ClinVar:

ClinVar aggregate classification (germline): Uncertain significance (1 of 4 stars; one submission).

Submission:

GeneDx
Classification: Uncertain significance. Last evaluated: 2017-08-08. Review status: criteria provided, single submitter. Criteria: GeneDx Variant Classification (06012015). Collection method: clinical testing. Allele origin: germline. Affected: yes.
Comment: The E33V variant in the PC gene has not been reported previously as a pathogenic variant, nor as a benign variant, to our knowledge. The E33V variant is not observed in large population cohorts (Lek et al., 2016; 1000 Genomes Consortium et al., 2015; Exome Variant Server). The E33V variant is a non-conservative amino acid substitution, which is likely to impact secondary protein structure as these residues differ in polarity, charge, size and/or other properties. This substitution occurs at a position where amino acids with similar properties to Glutamic Acid are tolerated across species. In silico analysis is inconsistent in its predictions as to whether or not the variant is damaging to the protein structure/function. We interpret E33V as a variant of uncertain significance.

NM_001040716.2(PC):c.98A>T (p.Glu33Val)

Gene: PC (pyruvate carboxylase; minus strand). Cytogenetic location: 11q13.2.
Variant type: single nucleotide variant.
Coding change: c.98A>T on transcript NM_001040716.2 (MANE Select); coding-DNA position 98, A replaced by T.
Protein change: p.Glu33Val; replaces glutamic acid 33 with valine.
Molecular consequence: missense variant.
Genome position (GRCh38, 1-based): chr11:66,872,062, T>A on the plus strand (A>T on the coding strand, the complement: PC is on the minus strand). VCF-style: chr11-66872062-T-A. GRCh37 (hg19) VCF-style: chr11-66639533-T-A.
Other names: c.98A>T, p.Glu33Val (NM_000920.4, NM_022172.3); short protein forms E33V.
Identifiers: ClinVar variation 451317 (VCV000451317.2), dbSNP rs1555027633, ClinGen allele CA381503471.